The following is an entry in ClinVar:

ClinVar aggregate classification (germline): Uncertain significance (1 of 4 stars; one submission).

Conditions:
Charcot-Marie-Tooth disease axonal type 2C (HMSN2C). Also called: CHARCOT-MARIE-TOOTH DISEASE, AXONAL, AUTOSOMAL DOMINANT, TYPE 2C; Charcot-Marie-Tooth Neuropathy Type 2C; Charcot-Marie-Tooth Disease Type 2, TRPV4-Related (CMT2C). Identifiers: Orphanet 99937, MedGen C1853710, MONDO:0011633, OMIM 606071.

Submission:

Labcorp Genetics (formerly Invitae), Labcorp
Classification: Uncertain significance for Charcot-Marie-Tooth disease axonal type 2C. Last evaluated: 2023-05-14. Review status: criteria provided, single submitter. Criteria: Invitae Variant Classification Sherloc (09022015). Collection method: clinical testing. Allele origin: germline.
Comment: In summary, the available evidence is currently insufficient to determine the role of this variant in disease. Therefore, it has been classified as a Variant of Uncertain Significance. Advanced modeling of protein sequence and biophysical properties (such as structural, functional, and spatial information, amino acid conservation, physicochemical variation, residue mobility, and thermodynamic stability) performed at Invitae indicates that this missense variant is not expected to disrupt TRPV4 protein function. ClinVar contains an entry for this variant (Variation ID: 536856). This variant has not been reported in the literature in individuals affected with TRPV4-related conditions. This variant is not present in population databases (gnomAD no frequency). This sequence change replaces glutamine, which is neutral and polar, with arginine, which is basic and polar, at codon 857 of the TRPV4 protein (p.Gln857Arg).

NM_021625.5(TRPV4):c.2570A>G (p.Gln857Arg)

Gene: TRPV4 (transient receptor potential cation channel subfamily V member 4; minus strand). Cytogenetic location: 12q24.11.
Variant type: single nucleotide variant.
Coding change: c.2570A>G on transcript NM_021625.5 (MANE Select); coding-DNA position 2570, A replaced by G.
Protein change: p.Gln857Arg; replaces glutamine 857 with arginine.
Molecular consequence: missense variant.
Genome position (GRCh38, 1-based): chr12:109,783,667, T>C on the plus strand (A>G on the coding strand, the complement: TRPV4 is on the minus strand). VCF-style: chr12-109783667-T-C. GRCh37 (hg19) VCF-style: chr12-110221472-T-C.
Other names: c.2390A>G, p.Gln797Arg (NM_147204.3); c.2429A>G, p.Gln810Arg (NM_001177428.2); c.2468A>G, p.Gln823Arg (NM_001177431.2); c.2249A>G, p.Gln750Arg (NM_001177433.2); short protein forms Q857R, Q750R, Q797R, Q823R, Q810R.
Identifiers: ClinVar variation 536856 (VCV000536856.7), dbSNP rs1262126429, ClinGen allele CA386648381.
Genomic context (GRCh38, chr12:109,783,667, plus strand): 5'-CTGGGCTGCAGTCCCTAGAGCGGGGCGTCATCAGTCCTCCACTTGCGGGGGTAACCCTGC[T>C]GGTGGCCATCGCAGCGGGGGTTCCCCATGCTGTCCAGAGGCACCACCACCTCGTCCGGGT-3'
Protein context (NP_067638.3, residues 847-867): SMGNPRCDGH[Gln857Arg]QGYPRKWRTD